The following is an entry in ClinVar:

ClinVar aggregate classification (germline): Pathogenic (1 of 4 stars; one submission).

Conditions:
Neurofibromatosis, type 1 (NF1). Also called: VON RECKLINGHAUSEN DISEASE; NEUROFIBROMATOSIS, TYPE I, SOMATIC; Peripheral type neurofibromatosis; Neurofibromatosis, type I. Identifiers: Orphanet 636, MedGen C0027831, MONDO:0018975, OMIM 162200. Disease mechanism: loss of function.

Submission:

Myriad Genetics, Inc.
Classification: Pathogenic for Neurofibromatosis, type 1. Last evaluated: 2026-08-18. Review status: criteria provided, single submitter. Criteria: Myriad Autosomal Dominant, Autosomal Recessive and X-Linked Classification Criteria (2023). Collection method: clinical testing. Allele origin: unknown.
Comment: This variant is considered pathogenic. This variant creates a frameshift predicted to result in premature protein truncation.

NM_001042492.3(NF1):c.4096del (p.His1366fs)

Gene: NF1 (neurofibromin 1; plus strand). Cytogenetic location: 17q11.2.
Variant type: Deletion.
Coding change: c.4096del on transcript NM_001042492.3 (MANE Select); coding-DNA position 4096, one base deleted (C; older notation c.4096delC).
Protein change: p.His1366fs; shifts the reading frame from histidine 1366.
Molecular consequence: frameshift variant.
Genome position (GRCh38, 1-based): chr17:31,249,105, C deleted; the last of 2 consecutive C bases (chr17:31,249,104-31,249,105); deleting either gives the same sequence. VCF-style (leftmost placement, unchanged base first): chr17-31249103-GC-G. GRCh37 (hg19) VCF-style: chr17-29576121-GC-G.
Other names: c.4096del, p.His1366fs (NM_000267.4); short protein forms H1366fs.
Identifiers: ClinVar variation 5042256 (VCV005042256.1).